The following is an entry in ClinVar:

NM_001199577.2(GIMAP1-GIMAP5):c.500G>A (p.Arg167His)

Genes: GIMAP1-GIMAP5 (GIMAP1-GIMAP5 readthrough; plus strand), GIMAP5 (GTPase, IMAP family member 5; plus strand). Cytogenetic location: 7q36.1.
Variant type: single nucleotide variant.
Coding change: c.500G>A on transcript NM_001199577.2; coding-DNA position 500, G replaced by A.
Protein change: p.Arg167His; replaces arginine 167 with histidine.
Molecular consequence: missense variant. On other transcripts: 5 prime UTR variant (1).
Genome position (GRCh38, 1-based): chr7:150,737,602, G>A. VCF-style: chr7-150737602-G-A. GRCh37 (hg19) VCF-style: chr7-150434690-G-A.
Other names: c.116G>A, p.Arg39His (NM_001303630.2); c.-113G>A (NM_018384.5); short protein forms R167H, R39H.
Identifiers: ClinVar variation 3387861 (VCV003387861.14).

ClinVar aggregate classification (germline): Likely benign (1 of 4 stars; one submission).

Submission:

CeGaT Center for Human Genetics Tuebingen
Classification: Likely benign. Last evaluated: 2026-04-01. Review status: criteria provided, single submitter. Criteria: CeGaT Center For Human Genetics Tuebingen Variant Classification Criteria Version 2. Collection method: clinical testing. Allele origin: germline. Affected: yes. Observed: 2 variant alleles.
Comment: GIMAP1-GIMAP5: BP4, BS2